The following is an entry in ClinVar:

NM_182914.3(SYNE2):c.18390A>G (p.Lys6130=)

Gene: SYNE2 (spectrin repeat containing nuclear envelope protein 2; plus strand). Cytogenetic location: 14q23.2.
Variant type: single nucleotide variant.
Coding change: c.18390A>G on transcript NM_182914.3 (MANE Select); coding-DNA position 18390, A replaced by G.
Protein change: p.Lys6130=; no amino-acid change (lysine 6130 retained).
Molecular consequence: synonymous variant.
Genome position (GRCh38, 1-based): chr14:64,209,428, A>G. VCF-style: chr14-64209428-A-G. GRCh37 (hg19) VCF-style: chr14-64676146-A-G.
Other names: c.18390A>G, p.Lys6130= (NM_015180.6).
Identifiers: ClinVar variation 2770155 (VCV002770155.3), dbSNP rs1441902598, ClinGen allele CA486711406.

ClinVar aggregate classification (germline): Uncertain significance (1 of 4 stars; one submission).

Conditions:
Emery-Dreifuss muscular dystrophy 5, autosomal dominant (EDMD5). Also called: EMERY-DREIFUSS MUSCULAR DYSTROPHY 5. Identifiers: Orphanet 261, MedGen C2751805, MONDO:0013072, OMIM 612999.

Allele frequency attached by ClinVar (database versions not stated): gnomAD exomes below 0.00001.
gnomAD v4.1: 5 of 1,614,196 alleles (0.00031%); highest among the groups gnomAD compares: South Asian, 0.0055%; no homozygotes.

Submission:

Labcorp Genetics (formerly Invitae), Labcorp
Classification: Uncertain significance for Emery-Dreifuss muscular dystrophy 5, autosomal dominant. Last evaluated: 2023-03-17. Review status: criteria provided, single submitter. Criteria: Invitae Variant Classification Sherloc (09022015). Collection method: clinical testing. Allele origin: germline.
Comment: In summary, the available evidence is currently insufficient to determine the role of this variant in disease. Therefore, it has been classified as a Variant of Uncertain Significance. Algorithms developed to predict the effect of sequence changes on RNA splicing suggest that this variant is not likely to affect RNA splicing. This variant has not been reported in the literature in individuals affected with SYNE2-related conditions. This variant is present in population databases (no rsID available, gnomAD 0.006%). This sequence change affects codon 6130 of the SYNE2 mRNA. It is a 'silent' change, meaning that it does not change the encoded amino acid sequence of the SYNE2 protein. It affects a nucleotide within the consensus splice site.